The following is an entry in ClinVar:

ClinVar aggregate classification (germline): Uncertain significance (1 of 4 stars; one submission).

Conditions:
Aicardi-Goutieres syndrome 5. Identifiers: Orphanet 51, MedGen C2749659, MONDO:0013059, OMIM 612952.

Submission:

Labcorp Genetics (formerly Invitae), Labcorp
Classification: Uncertain significance for Aicardi-Goutieres syndrome 5. Last evaluated: 2021-03-12. Review status: criteria provided, single submitter. Criteria: Invitae Variant Classification Sherloc (09022015). Collection method: clinical testing. Allele origin: germline.
Comment: In summary, the available evidence is currently insufficient to determine the role of this variant in disease. Therefore, it has been classified as a Variant of Uncertain Significance. This sequence change replaces leucine with isoleucine at codon 431 of the SAMHD1 protein (p.Leu431Ile). The leucine residue is highly conserved and there is a small physicochemical difference between leucine and isoleucine. This variant is not present in population databases (ExAC no frequency). This variant has not been reported in the literature in individuals with SAMHD1-related conditions. Algorithms developed to predict the effect of missense changes on protein structure and function are either unavailable or do not agree on the potential impact of this missense change (SIFT: "Deleterious"; PolyPhen-2: "Possibly Damaging"; Align-GVGD: "Class C0").

NM_015474.4(SAMHD1):c.1291T>A (p.Leu431Ile)

Gene: SAMHD1 (SAM and HD domain containing deoxynucleoside triphosphate triphosphohydrolase 1; minus strand). Cytogenetic location: 20q11.23.
Variant type: single nucleotide variant.
Coding change: c.1291T>A on transcript NM_015474.4 (MANE Select); coding-DNA position 1291, T replaced by A.
Protein change: p.Leu431Ile; replaces leucine 431 with isoleucine.
Molecular consequence: missense variant.
Genome position (GRCh38, 1-based): chr20:36,905,483, A>T on the plus strand (T>A on the coding strand, the complement: SAMHD1 is on the minus strand). VCF-style: chr20-36905483-A-T. GRCh37 (hg19) VCF-style: chr20-35533886-A-T.
Other names: c.1291T>A, p.Leu431Ile (NM_001363729.2, NM_001363733.2); short protein forms L431I.
Identifiers: ClinVar variation 1505031 (VCV001505031.8), dbSNP rs2148360629, ClinGen allele CA408842504.
Genomic context (GRCh38, chr20:36,905,483, plus strand): 5'-GGTATTCAATTTGTTTTAAAATCTCTCGTGCGTCTTTCAATTTGGGATCAGTAGAGTATA[A>T]AATCTCCAGAAAAATGTTATCTGCCAATTTAATGACATTTCAGTTATATTAAAATAAAAA-3'
Protein context (NP_056289.2, residues 421-441): KLTDNIFLEI[Leu431Ile]YSTDPKLKDA